The following is an entry in ClinVar:

NM_139318.5(KCNH5):c.2258T>C (p.Val753Ala)

Gene: KCNH5 (potassium voltage-gated channel subfamily H member 5; minus strand). Cytogenetic location: 14q23.2.
Variant type: single nucleotide variant.
Coding change: c.2258T>C on transcript NM_139318.5 (MANE Select); coding-DNA position 2258, T replaced by C.
Protein change: p.Val753Ala; replaces valine 753 with alanine.
Molecular consequence: missense variant. On other transcripts: 3 prime UTR variant (1).
Genome position (GRCh38, 1-based): chr14:62,708,217, A>G on the plus strand (T>C on the coding strand, the complement: KCNH5 is on the minus strand). VCF-style: chr14-62708217-A-G. GRCh37 (hg19) VCF-style: chr14-63174935-A-G.
Other names: c.*225T>C (NM_172375.3); short protein forms V753A.
Identifiers: ClinVar variation 4802002 (VCV004802002.1).

ClinVar aggregate classification (germline): Uncertain significance (1 of 4 stars; one submission).

Conditions:
Early-infantile DEE. Also called: Early infantile epileptic encephalopathy; Early infantile epileptic encephalopathy with suppression bursts; Ohtahara syndrome. Identifiers: Orphanet 1934, MedGen C0393706, MONDO:0800491.

Submission:

Labcorp Genetics (formerly Invitae), Labcorp
Classification: Uncertain significance for Early-infantile DEE. Last evaluated: 2025-12-13. Review status: criteria provided, single submitter. Criteria: Invitae Variant Classification Sherloc (09022015). Collection method: clinical testing. Allele origin: germline.
Comment: This sequence change replaces valine, which is neutral and non-polar, with alanine, which is neutral and non-polar, at codon 753 of the KCNH5 protein (p.Val753Ala). This variant is not present in population databases (gnomAD no frequency). This variant has not been reported in the literature in individuals affected with KCNH5-related conditions. Invitae Evidence Modeling of protein sequence and biophysical properties (such as structural, functional, and spatial information, amino acid conservation, physicochemical variation, residue mobility, and thermodynamic stability) indicates that this missense variant is not expected to disrupt KCNH5 protein function with a negative predictive value of 95%. In summary, the available evidence is currently insufficient to determine the role of this variant in disease. Therefore, it has been classified as a Variant of Uncertain Significance.